The following is an entry in ClinVar:

NM_000642.3(AGL):c.968G>A (p.Arg323Gln)

Gene: AGL (amylo-alpha-1,6-glucosidase and 4-alpha-glucanotransferase; plus strand). Cytogenetic location: 1p21.2.
Variant type: single nucleotide variant.
Coding change: c.968G>A on transcript NM_000642.3 (MANE Select); coding-DNA position 968, G replaced by A.
Protein change: p.Arg323Gln; replaces arginine 323 with glutamine.
Molecular consequence: missense variant.
Genome position (GRCh38, 1-based): chr1:99,874,696, G>A. VCF-style: chr1-99874696-G-A. GRCh37 (hg19) VCF-style: chr1-100340252-G-A.
Other names: p.Arg323Gln; c.968G>A, p.Arg323Gln (NM_000028.3, NM_000643.3, NM_000644.3 and 3 more transcripts); c.920G>A, p.Arg307Gln (NM_000646.3); c.764G>A, p.Arg255Gln (NM_001425328.1, NM_001425329.1); c.590G>A, p.Arg197Gln (NM_001425332.1); short protein forms R323Q, R307Q, R197Q, R255Q.
Identifiers: ClinVar variation 456516 (VCV000456516.52), dbSNP rs139399527, ClinGen allele CA966347.

ClinVar aggregate classification (germline): Conflicting classifications of pathogenicity. Review status: criteria provided, conflicting classifications (1 of 4 stars). 9 submissions from 9 submitters: Uncertain significance (3); Likely benign (5). 1 of the submissions does not count toward it. Last evaluated 2026-01-31.

Conditions:
AGL-related disorder. Also called: AGL-related condition.
Glycogen storage disease type III (GSD3). Also called: Cori disease; FORBES DISEASE. Identifiers: Orphanet 366, MedGen C0017922, MONDO:0009291, OMIM 232400.

Allele frequency attached by ClinVar (database versions not stated): ExAC 0.00046; ESP Exome Variant Server 0.00100; TOPMed 0.00115; gnomAD 0.00120 and 0.00123; 1000 Genomes Project 0.00160; 1000 Genomes Project 30x 0.00172.
gnomAD v4.1: 483 of 1,590,276 alleles (0.03%); highest among the groups gnomAD compares: African/African-American, 0.37%; 1 homozygote.

Submissions (10):

Labcorp Genetics (formerly Invitae), Labcorp
Classification: Likely benign for Glycogen storage disease type III. Last evaluated: 2026-01-31. Review status: criteria provided, single submitter. Criteria: Invitae Variant Classification Sherloc (09022015). Collection method: clinical testing. Allele origin: germline.

ARUP Laboratories, Molecular Genetics and Genomics, ARUP Laboratories
Classification: Uncertain significance. Last evaluated: 2025-07-22. Review status: criteria provided, single submitter. Criteria: ARUP Molecular Germline Variant Investigation Process 2024. Collection method: clinical testing. Allele origin: germline.
Comment: The AGL c.968G>A; p.Arg323Gln variant (rs139399527), to our knowledge, is not reported in the medical literature but is reported in ClinVar (Variation ID: 456516). This variant is found in the African/African-American population with an allele frequency of 0.39% (98/24,906 alleles) in the Genome Aggregation Database. Computational analyses predict that this variant is neutral (REVEL: 0.052). While the high population frequency suggests that this is likely a benign variant, given the lack of clinical and functional data, the significance of this variant is uncertain at this time.

Mayo Clinic Laboratories, Mayo Clinic
Classification: Likely benign. Last evaluated: 2025-07-16. Review status: criteria provided, single submitter. Criteria: ACMG Guidelines, 2015. Collection method: clinical testing. Allele origin: germline. Observed: 3 variant alleles.
Comment: BS1, BP4

CeGaT Center for Human Genetics Tuebingen
Classification: Likely benign. Last evaluated: 2022-06-01. Review status: criteria provided, single submitter. Criteria: CeGaT Center For Human Genetics Tuebingen Variant Classification Criteria Version 2. Collection method: clinical testing. Allele origin: germline. Affected: yes. Observed: 1 variant allele.
Comment: AGL: BP4

Revvity Omics, Revvity
Classification: Uncertain significance for Glycogen storage disease type III. Last evaluated: 2022-02-22. Review status: criteria provided, single submitter. Criteria: ACMG Guidelines, 2015. Collection method: clinical testing. Allele origin: germline.

Genome-Nilou Lab
Classification: Likely benign for Glycogen storage disease type III. Last evaluated: 2021-07-15. Review status: criteria provided, single submitter. Criteria: ACMG Guidelines, 2015. Collection method: clinical testing. Allele origin: germline. Affected: no.

GeneDx
Classification: Likely benign. Last evaluated: 2019-07-29. Review status: criteria provided, single submitter. Criteria: GeneDx Variant Classification Process June 2021. Collection method: clinical testing. Allele origin: germline. Affected: yes.

Illumina Laboratory Services, Illumina
Classification: Uncertain significance for Glycogen storage disease type III. Last evaluated: 2018-01-13. Review status: criteria provided, single submitter. Criteria: ICSL Variant Classification Criteria 13 December 2019. Collection method: clinical testing. Allele origin: germline.

PreventionGenetics, part of Exact Sciences
Classification: Likely benign for AGL-related condition. Last evaluated: 2022-05-05. Review status: no assertion criteria provided. Collection method: clinical testing. Allele origin: germline. Not counted in ClinVar's aggregate classification.
Comment: This variant is classified as likely benign based on ACMG/AMP sequence variant interpretation guidelines (Richards et al. 2015 PMID: 25741868, with internal and published modifications).

Dr. Peter K. Rogan Lab, Western University
No classification provided (evidence only). Condition: Cervical cancer. Review status: no classification provided. Collection method: in vitro. Allele origin: not applicable. Functional consequence: retained intron. Not counted in ClinVar's aggregate classification.